The following is an entry in ClinVar:

ClinVar aggregate classification (germline): Uncertain significance. Review status: criteria provided, multiple submitters, no conflicts (2 of 4 stars). 2 submissions from 2 submitters: Uncertain significance (2). Last evaluated 2025-09-10.

Conditions:
Congenital contractural arachnodactyly (CCA). Also called: BEALS SYNDROME; Beals-Hecht syndrome; Arthrogryposis, distal, type 9. Identifiers: Orphanet 115, MedGen C0220668, MONDO:0007363, OMIM 121050.
Familial thoracic aortic aneurysm and aortic dissection (TAAD). Also called: Thoracic aortic aneurysms and dissections. Identifiers: Orphanet 91387, MedGen C4707243, MONDO:0019625.

gnomAD v4.1: 6 of 1,613,170 alleles (0.00037%); highest among the groups gnomAD compares: African/African-American, 0.0013%; no homozygotes.

Submissions (2):

Labcorp Genetics (formerly Invitae), Labcorp
Classification: Uncertain significance for Congenital contractural arachnodactyly. Last evaluated: 2025-09-10. Review status: criteria provided, single submitter. Criteria: Invitae Variant Classification Sherloc (09022015). Collection method: clinical testing. Allele origin: germline.
Comment: This sequence change replaces glycine, which is neutral and non-polar, with glutamic acid, which is acidic and polar, at codon 2553 of the FBN2 protein (p.Gly2553Glu). This variant is present in population databases (rs764514988, gnomAD 0.003%). This variant has not been reported in the literature in individuals affected with FBN2-related conditions. ClinVar contains an entry for this variant (Variation ID: 2742323). Invitae Evidence Modeling of protein sequence and biophysical properties (such as structural, functional, and spatial information, amino acid conservation, physicochemical variation, residue mobility, and thermodynamic stability) indicates that this missense variant is not expected to disrupt FBN2 protein function with a negative predictive value of 80%. In summary, the available evidence is currently insufficient to determine the role of this variant in disease. Therefore, it has been classified as a Variant of Uncertain Significance.

Ambry Genetics
Classification: Uncertain significance for Familial thoracic aortic aneurysm and aortic dissection. Last evaluated: 2025-01-09. Review status: criteria provided, single submitter. Criteria: Ambry Variant Classification Scheme 2023. Collection method: clinical testing. Allele origin: germline.
Comment: The p.G2553E variant (also known as c.7658G>A), located in coding exon 60 of the FBN2 gene, results from a G to A substitution at nucleotide position 7658. The glycine at codon 2553 is replaced by glutamic acid, an amino acid with similar properties. This amino acid position is highly conserved in available vertebrate species. In addition, this alteration is predicted to be deleterious by in silico analysis. Based on the available evidence, the clinical significance of this variant remains unclear.

NM_001999.4(FBN2):c.7658G>A (p.Gly2553Glu)

Gene: FBN2 (fibrillin 2; minus strand). Cytogenetic location: 5q23.3.
Variant type: single nucleotide variant.
Coding change: c.7658G>A on transcript NM_001999.4 (MANE Select); coding-DNA position 7658, G replaced by A.
Protein change: p.Gly2553Glu; replaces glycine 2553 with glutamic acid.
Molecular consequence: missense variant.
Genome position (GRCh38, 1-based): chr5:128,274,620, C>T on the plus strand (G>A on the coding strand, the complement: FBN2 is on the minus strand). VCF-style: chr5-128274620-C-T. GRCh37 (hg19) VCF-style: chr5-127610312-C-T.
Other names: c.7658G>A (NM_001999.3); short protein forms G2553E.
Identifiers: ClinVar variation 2742323 (VCV002742323.4), dbSNP rs764514988, ClinGen allele CA3394054.